The following is an entry in ClinVar:

ClinVar aggregate classification (germline): Pathogenic (1 of 4 stars; one submission).

Conditions:
Combined malonic and methylmalonic acidemia. Identifiers: Orphanet 289504, MedGen C3280314, MONDO:0013661, OMIM 614265.

Submission:

Labcorp Genetics (formerly Invitae), Labcorp
Classification: Pathogenic for Combined malonic and methylmalonic acidemia. Last evaluated: 2021-03-09. Review status: criteria provided, single submitter. Criteria: Invitae Variant Classification Sherloc (09022015). Collection method: clinical testing. Allele origin: germline.
Comment: For these reasons, this variant has been classified as Pathogenic. This variant has not been reported in the literature in individuals with ACSF3-related conditions. This variant is a gross deletion of the genomic region encompassing exon(s) 1-8 of the ACSF3 gene, which includes the initiator codon. The 5' end of this event is unknown as it extends beyond the assayed region for this gene and therefore may encompass additional genes. The 3' boundary is likely confined to intron 8 of the ACSF3 gene. It is expected to result in an absent or disrupted protein product. Loss-of-function variants in ACSF3 are known to be pathogenic (PMID: 21841779, 26827111).

Literature cited by the submitters: PubMed 21841779; PubMed 26827111.

NC_000016.9:g.(?_89160207)_(89203247_?)del

Gene: ACSF3 (acyl-CoA synthetase family member 3; plus strand). Cytogenetic location: 16q24.3.
Variant type: Deletion.
Identifiers: ClinVar variation 1452052 (VCV001452052.4).